The following is an entry in ClinVar:

ClinVar aggregate classification (germline): Uncertain significance. Review status: criteria provided, multiple submitters, no conflicts (2 of 4 stars). 3 submissions from 3 submitters: Uncertain significance (3). Last evaluated 2025-11-14.

Conditions:
RTEL1-related disorder. Also called: RTEL1-related disorders; RTEL1-related condition.
Inborn genetic diseases. Identifiers: MedGen C0950123, MeSH D030342.
Dyskeratosis congenita, autosomal recessive 5 (DKCB5). Identifiers: MedGen C3554656, MONDO:0014076, OMIM 615190.
Pulmonary fibrosis and/or bone marrow failure, Telomere-related, 3. Also called: PULMONARY FIBROSIS AND/OR BONE MARROW FAILURE SYNDROME, TELOMERE-RELATED, 3. Identifiers: Orphanet 2032, MedGen C4225346, MONDO:0014613, OMIM 616373.

Allele frequency attached by ClinVar (database versions not stated): gnomAD 0.00001; TOPMed 0.00002; ExAC 0.00003.
gnomAD v4.1: 33 of 1,612,252 alleles (0.002%); highest among the groups gnomAD compares: East Asian, 0.0067%; no homozygotes.

Submissions (3):

PreventionGenetics, part of Exact Sciences
Classification: Uncertain significance for RTEL1-related condition. Last evaluated: 2025-11-14. Review status: criteria provided, single submitter. Criteria: ACMG Guidelines, 2015. Collection method: clinical testing. Allele origin: germline.
Comment: The RTEL1 c.3485G>A variant is predicted to result in the amino acid substitution p.Arg1162Gln. To our knowledge, this variant has not been reported in the literature. This variant is reported in 0.020% of alleles in individuals of East Asian descent in gnomAD. At this time, the clinical significance of this variant is uncertain due to the absence of conclusive functional and genetic evidence.

Ambry Genetics
Classification: Uncertain significance for Inborn genetic diseases. Last evaluated: 2024-12-20. Review status: criteria provided, single submitter. Criteria: Ambry Variant Classification Scheme 2023. Collection method: clinical testing. Allele origin: germline.
Comment: The p.R1138Q variant (also known as c.3413G>A), located in coding exon 32 of the RTEL1 gene, results from a G to A substitution at nucleotide position 3413. The arginine at codon 1138 is replaced by glutamine, an amino acid with highly similar properties. This amino acid position is conserved. In addition, this alteration is predicted to be tolerated by in silico analysis. Based on the available evidence, the clinical significance of this variant remains unclear.

Labcorp Genetics (formerly Invitae), Labcorp
Classification: Uncertain significance for Dyskeratosis congenita, autosomal recessive 5; Pulmonary fibrosis and/or bone marrow failure, Telomere-related, 3. Last evaluated: 2024-12-09. Review status: criteria provided, single submitter. Criteria: Invitae Variant Classification Sherloc (09022015). Collection method: clinical testing. Allele origin: germline.
Comment: This sequence change replaces arginine, which is basic and polar, with glutamine, which is neutral and polar, at codon 1138 of the RTEL1 protein (p.Arg1138Gln). This variant is present in population databases (rs756727783, gnomAD 0.02%). This variant has not been reported in the literature in individuals affected with RTEL1-related conditions. ClinVar contains an entry for this variant (Variation ID: 2064022). An algorithm developed to predict the effect of missense changes on protein structure and function outputs the following: PolyPhen-2: "Benign". The glutamine amino acid residue is found in multiple mammalian species, which suggests that this missense change does not adversely affect protein function. In summary, the available evidence is currently insufficient to determine the role of this variant in disease. Therefore, it has been classified as a Variant of Uncertain Significance.

NM_001283009.2(RTEL1):c.3413G>A (p.Arg1138Gln)

Genes: RTEL1 (regulator of telomere elongation helicase 1; plus strand), RTEL1-TNFRSF6B (RTEL1-TNFRSF6B readthrough (NMD candidate); plus strand). Cytogenetic location: 20q13.33.
Variant type: single nucleotide variant.
Coding change: c.3413G>A on transcript NM_001283009.2 (MANE Select); coding-DNA position 3413, G replaced by A.
Protein change: p.Arg1138Gln; replaces arginine 1138 with glutamine.
Molecular consequence: missense variant. On other transcripts: non-coding transcript variant (1).
Genome position (GRCh38, 1-based): chr20:63,695,135, G>A. VCF-style: chr20-63695135-G-A. GRCh37 (hg19) VCF-style: chr20-62326488-G-A.
Other names: c.2744G>A, p.Arg915Gln (NM_001283010.1); c.3413G>A, p.Arg1138Gln (NM_016434.4); c.3485G>A, p.Arg1162Gln (NM_032957.5); c.3485G>A (NM_032957.4); short protein forms R1162Q, R1138Q, R915Q.
Identifiers: ClinVar variation 2064022 (VCV002064022.5), dbSNP rs756727783, ClinGen allele CA9966022.